The following is an entry in ClinVar:

ClinVar aggregate classification (germline): Uncertain significance (1 of 4 stars; one submission).

Conditions:
Cranium bifidum occultum. Also called: Enlarged Parietal Foramina; CATLIN MARKS; CRANIUM BIFIDUM, HEREDITARY. Identifiers: MedGen C1868598, HP:0004423.

gnomAD v4.1: 4 of 1,552,724 alleles (0.00026%); highest among the groups gnomAD compares: Non-Finnish European, 0.00035%; no homozygotes.

Submission:

Labcorp Genetics (formerly Invitae), Labcorp
Classification: Uncertain significance for Cranium bifidum occultum. Last evaluated: 2022-11-28. Review status: criteria provided, single submitter. Criteria: Invitae Variant Classification Sherloc (09022015). Collection method: clinical testing. Allele origin: germline.
Comment: Advanced modeling of protein sequence and biophysical properties (such as structural, functional, and spatial information, amino acid conservation, physicochemical variation, residue mobility, and thermodynamic stability) performed at Invitae indicates that this missense variant is not expected to disrupt MSX2 protein function. This sequence change replaces proline, which is neutral and non-polar, with leucine, which is neutral and non-polar, at codon 66 of the MSX2 protein (p.Pro66Leu). This variant is present in population databases (no rsID available, gnomAD 0.002%). This variant has not been reported in the literature in individuals affected with MSX2-related conditions. In summary, the available evidence is currently insufficient to determine the role of this variant in disease. Therefore, it has been classified as a Variant of Uncertain Significance.

NM_002449.5(MSX2):c.197C>T (p.Pro66Leu)

Gene: MSX2 (msh homeobox 2; plus strand). Cytogenetic location: 5q35.2.
Variant type: single nucleotide variant.
Coding change: c.197C>T on transcript NM_002449.5 (MANE Select); coding-DNA position 197, C replaced by T.
Protein change: p.Pro66Leu; replaces proline 66 with leucine.
Molecular consequence: missense variant.
Genome position (GRCh38, 1-based): chr5:174,724,856, C>T. VCF-style: chr5-174724856-C-T. GRCh37 (hg19) VCF-style: chr5-174151859-C-T.
Other names: c.197C>T, p.Pro66Leu (NM_001363626.2); short protein forms P66L.
Identifiers: ClinVar variation 2142894 (VCV002142894.4), dbSNP rs527786984, ClinGen allele CA362229320.
Genomic context (GRCh38, chr5:174,724,856, plus strand): 5'-CCTTCAGCGTGGAGGCGCTCATGTCCGACAAGAAGCCGCCCAAGGAGGCGTCCCCGCTGC[C>T]GGCCGAAAGCGCCTCGGCCGGGGCCACCCTGCGGCCACTGCTGCTGTCGGGGCACGGCGC-3'
Protein context (NP_002440.2, residues 56-76): KKPPKEASPL[Pro66Leu]AESASAGATL